The following is an entry in ClinVar:

NM_001370595.2(COA8):c.527C>G (p.Ala176Gly)

Gene: COA8 (cytochrome c oxidase assembly factor 8; plus strand). Cytogenetic location: 14q32.33.
Variant type: single nucleotide variant.
Coding change: c.527C>G on transcript NM_001370595.2 (MANE Select); coding-DNA position 527, C replaced by G.
Protein change: p.Ala176Gly; replaces alanine 176 with glycine.
Molecular consequence: missense variant. On other transcripts: 3 prime UTR variant (1), non-coding transcript variant (2).
Genome position (GRCh38, 1-based): chr14:103,590,231, C>G. VCF-style: chr14-103590231-C-G. GRCh37 (hg19) VCF-style: chr14-104056568-C-G.
Other names: c.566C>G (NM_032374.3); c.*81C>G (NM_001302653.2); short protein forms A176G.
Identifiers: ClinVar variation 1319591 (VCV001319591.5), dbSNP rs529483936, ClinGen allele CA267203236.

ClinVar aggregate classification (germline): Uncertain significance. Review status: criteria provided, multiple submitters, no conflicts (2 of 4 stars). 3 submissions from 3 submitters: Uncertain significance (3). Last evaluated 2023-12-08.

Allele frequency attached by ClinVar (database versions not stated): gnomAD exomes below 0.00001.
gnomAD v4.1: 1 of 1,614,050 alleles (0.000062%); highest among the groups gnomAD compares: Middle Eastern, 0.016%; no homozygotes.

Submissions (3):

GeneDx
Classification: Uncertain significance. Last evaluated: 2023-12-08. Review status: criteria provided, single submitter. Criteria: GeneDx Variant Classification Process June 2021. Collection method: clinical testing. Allele origin: germline. Affected: yes.
Comment: Not observed at significant frequency in large population cohorts (gnomAD); In silico analysis supports that this missense variant does not alter protein structure/function; Has not been previously published as pathogenic or benign to our knowledge; Reported using an alternate transcript of the gene

Institute for Clinical Genetics, University Hospital TU Dresden, University Hospital TU Dresden
Classification: Uncertain significance. Last evaluated: 2021-11-03. Review status: criteria provided, single submitter. Criteria: ACMG Guidelines, 2015. Collection method: clinical testing. Allele origin: germline.

Breakthrough Genomics
Classification: Uncertain significance. Review status: criteria provided, single submitter. Criteria: ACMG Guidelines, 2015. Collection method: not provided. Allele origin: germline. Inheritance: Autosomal recessive inheritance. Affected: yes.